The following is an entry in ClinVar:

ClinVar aggregate classification (germline): Benign/Likely benign. Review status: criteria provided, multiple submitters, no conflicts (2 of 4 stars). 11 submissions from 11 submitters: Benign (6); Likely benign (3). 2 of the submissions do not count toward it. Last evaluated 2026-08-01.

Conditions:
Nemaline myopathy 2 (NEM2). Also called: Nemaline myopathy 2, autosomal recessive. Identifiers: MedGen C1850569, MONDO:0009725, OMIM 256030.
Arthrogryposis multiplex congenita 6. Identifiers: MedGen C5543431, MONDO:0030281, OMIM 619334.

Allele frequency attached by ClinVar (database versions not stated): ESP Exome Variant Server 0.00025; TOPMed 0.00100; gnomAD 0.00148 and 0.00190; gnomAD exomes 0.00321; ExAC 0.00349; 1000 Genomes Project 30x 0.00437; 1000 Genomes Project 0.00519.
gnomAD v4.1: 2,760 of 1,611,260 alleles (0.17%); highest among the groups gnomAD compares: East Asian, 3.3%; 39 homozygotes.

Submissions (11):

CeGaT Center for Human Genetics Tuebingen
Classification: Benign. Last evaluated: 2026-08-01. Review status: criteria provided, single submitter. Criteria: CeGaT Center For Human Genetics Tuebingen Variant Classification Criteria Version 2. Collection method: clinical testing. Allele origin: germline. Affected: yes. Observed: 2 variant alleles.
Comment: NEB: PP3, BS1, BS2

Labcorp Genetics (formerly Invitae), Labcorp
Classification: Benign for Nemaline myopathy 2. Last evaluated: 2026-01-26. Review status: criteria provided, single submitter. Criteria: Invitae Variant Classification Sherloc (09022015). Collection method: clinical testing. Allele origin: germline.

Women's Health and Genetics/Laboratory Corporation of America, LabCorp
Classification: Benign. Last evaluated: 2022-02-24. Review status: criteria provided, single submitter. Criteria: LabCorp Variant Classification Summary - May 2015. Collection method: clinical testing. Allele origin: germline.
Comment: Variant summary: NEB c.914A>G (p.Asp305Gly) results in a non-conservative amino acid change in the encoded protein sequence. Four of five in-silico tools predict a benign effect of the variant on protein function. The variant allele was found at a frequency of 0.0032 in 248910 control chromosomes, predominantly at a frequency of 0.019 within the East Asian subpopulation in the gnomAD database, including 6 homozygotes. The observed variant frequency within East Asian control individuals in the gnomAD database is approximately 5.4 fold of the estimated maximal expected allele frequency for a pathogenic variant in NEB causing Nemaline Myopathy 2 phenotype (0.0035), strongly suggesting that the variant is a benign polymorphism found primarily in populations of East Asian origin. To our knowledge, no occurrence of c.914A>G in individuals affected with Nemaline Myopathy 2 and no experimental evidence demonstrating its impact on protein function have been reported. Six clinical diagnostic laboratories have submitted clinical-significance assessments for this variant to ClinVar after 2014 without evidence for independent evaluation. All laboratories classified the variant as benign/likely benign. Based on the evidence outlined above, the variant was classified as benign.

Fulgent Genetics
Classification: Likely benign for Nemaline myopathy 2; Arthrogryposis multiplex congenita 6. Last evaluated: 2021-11-05. Review status: criteria provided, single submitter. Criteria: ACMG Guidelines, 2015. Collection method: clinical testing. Allele origin: unknown.

Genome-Nilou Lab
Classification: Benign for Nemaline myopathy 2. Last evaluated: 2021-06-10. Review status: criteria provided, single submitter. Criteria: ACMG Guidelines, 2015. Collection method: clinical testing. Allele origin: germline. Affected: no.

GeneDx
Classification: Benign. Last evaluated: 2020-06-25. Review status: criteria provided, single submitter. Criteria: GeneDx Variant Classification Process June 2021. Collection method: clinical testing. Allele origin: germline. Affected: yes.
Comment: This variant is associated with the following publications: (PMID: 28391287)

Illumina Laboratory Services, Illumina
Classification: Likely benign for Nemaline myopathy 2. Last evaluated: 2018-01-13. Review status: criteria provided, single submitter. Criteria: ICSL Variant Classification Criteria 13 December 2019. Collection method: clinical testing. Allele origin: germline.
Comment: This variant was observed in the ICSL laboratory as part of a predisposition screen in an ostensibly healthy population. It had not been previously curated by ICSL or reported in the Human Gene Mutation Database (HGMD: prior to June 1st, 2018), and was therefore a candidate for classification through an automated scoring system. Utilizing variant allele frequency, disease prevalence and penetrance estimates, and inheritance mode, an automated score was calculated to assess if this variant is too frequent to cause the disease. Based on the score and internal cut-off values, a variant classified as likely benign is not then subjected to further curation. The score for this variant resulted in a classification of likely benign for this disease.

Eurofins Ntd Llc (ga)
Classification: Benign. Last evaluated: 2014-11-20. Review status: criteria provided, single submitter. Criteria: EGL Classification Definitions 2015. Collection method: clinical testing. Allele origin: germline. Observed: 1 variant allele, 1 heterozygote.

Breakthrough Genomics
Classification: Likely benign. Review status: criteria provided, single submitter. Criteria: ACMG Guidelines, 2015. Collection method: not provided. Allele origin: germline. Inheritance: Autosomal recessive inheritance. Affected: yes.

Natera, Inc.
Classification: Benign for Nemaline myopathy type 2. Last evaluated: 2020-01-07. Review status: no assertion criteria provided. Collection method: clinical testing. Allele origin: germline. Not counted in ClinVar's aggregate classification.

Counsyl
Classification: Likely benign for Nemaline myopathy 2. Last evaluated: 2018-05-24. Review status: no assertion criteria provided. Collection method: clinical testing. Allele origin: unknown. Not counted in ClinVar's aggregate classification.

Literature cited by the submitters: PubMed 28391287 (cited by Counsyl).

NM_001164508.2(NEB):c.914A>G (p.Asp305Gly)

Gene: NEB (nebulin; minus strand). Cytogenetic location: 2q23.3.
Variant type: single nucleotide variant.
Coding change: c.914A>G on transcript NM_001164508.2 (MANE Select); coding-DNA position 914, A replaced by G.
Protein change: p.Asp305Gly; replaces aspartic acid 305 with glycine.
Molecular consequence: missense variant.
Genome position (GRCh38, 1-based): chr2:151,710,447, T>C on the plus strand (A>G on the coding strand, the complement: NEB is on the minus strand). VCF-style: chr2-151710447-T-C. GRCh37 (hg19) VCF-style: chr2-152566961-T-C.
Other names: c.914A>G, p.Asp305Gly (NM_001164507.2, NM_001271208.2, NM_004543.5); short protein forms D305G.
Identifiers: ClinVar variation 193880 (VCV000193880.43), dbSNP rs36105240, ClinGen allele CA200829.